The following is an entry in ClinVar:

ClinVar aggregate classification (germline): Uncertain significance (1 of 4 stars; one submission).

Submission:

Labcorp Genetics (formerly Invitae), Labcorp
Classification: Uncertain significance. Last evaluated: 2022-02-22. Review status: criteria provided, single submitter. Criteria: Invitae Variant Classification Sherloc (09022015). Collection method: clinical testing. Allele origin: germline.
Comment: In summary, the available evidence is currently insufficient to determine the role of this variant in disease. Therefore, it has been classified as a Variant of Uncertain Significance. Experimental studies and prediction algorithms are not available or were not evaluated, and the effect of this variant on mRNA splicing is currently unknown. This variant has not been reported in the literature in individuals affected with ADAMTS18-related conditions. Information on the frequency of this variant in the gnomAD database is not available, as this variant may be reported differently in the database. This sequence change falls in intron 5 of the ADAMTS18 gene. It does not directly change the encoded amino acid sequence of the ADAMTS18 protein.

NM_199355.4(ADAMTS18):c.973-11_973-10delinsAA

Gene: ADAMTS18 (ADAM metallopeptidase with thrombospondin type 1 motif 18; minus strand). Cytogenetic location: 16q23.1.
Variant type: Indel.
Coding change: c.973-11_973-10delinsAA on transcript NM_199355.4 (MANE Select); 11 bases into the intron before coding-DNA position 973 through 10 bases into the intron before coding-DNA position 973, TG replaced by AA.
Molecular consequence: intron variant.
Genome position (GRCh38, 1-based): chr16:77,363,895-77,363,896, CA replaced by TT on the plus strand (TG replaced by AA on the coding strand, the reverse complement: ADAMTS18 is on the minus strand). VCF-style: chr16-77363895-CA-TT. GRCh37 (hg19) VCF-style: chr16-77397792-CA-TT.
Other names: c.457-11_457-10delinsAA (NM_001326358.2).
Identifiers: ClinVar variation 1934567 (VCV001934567.5), dbSNP rs2543746180, ClinGen allele CA2580092114.